The following is an entry in ClinVar:

ClinVar aggregate classification (germline): Uncertain significance (1 of 4 stars; one submission).

Conditions:
Tuberous sclerosis 2 (TSC2). Identifiers: Orphanet 805, MedGen C1860707, MONDO:0013199, OMIM 613254.

Submission:

Labcorp Genetics (formerly Invitae), Labcorp
Classification: Uncertain significance for Tuberous sclerosis 2. Last evaluated: 2018-05-31. Review status: criteria provided, single submitter. Criteria: Invitae Variant Classification Sherloc (09022015). Collection method: clinical testing. Allele origin: germline.
Comment: In summary, the available evidence is currently insufficient to determine the role of this variant in disease. Therefore, it has been classified as a Variant of Uncertain Significance. This variant is not present in population databases (ExAC no frequency). This sequence change replaces serine with tyrosine at codon 1296 of the TSC2 protein (p.Ser1296Tyr). The serine residue is highly conserved and there is a large physicochemical difference between serine and tyrosine. This variant has not been reported in the literature in individuals with TSC2-related disease. Algorithms developed to predict the effect of missense changes on protein structure and function are either unavailable or do not agree on the potential impact of this missense change (SIFT: "Deleterious"; PolyPhen-2: "Probably Damaging"; Align-GVGD: "Class C15").

NM_000548.5(TSC2):c.3887C>A (p.Ser1296Tyr)

Gene: TSC2 (TSC complex subunit 2; plus strand). Cytogenetic location: 16p13.3.
Variant type: single nucleotide variant.
Coding change: c.3887C>A on transcript NM_000548.5 (MANE Select); coding-DNA position 3887, C replaced by A.
Protein change: p.Ser1296Tyr; replaces serine 1296 with tyrosine.
Molecular consequence: missense variant.
Genome position (GRCh38, 1-based): chr16:2,083,698, C>A. VCF-style: chr16-2083698-C-A. GRCh37 (hg19) VCF-style: chr16-2133699-C-A.
Other names: c.3686C>A, p.Ser1229Tyr (NM_001077183.3); c.3818C>A, p.Ser1273Tyr (NM_001114382.3); c.3578C>A, p.Ser1193Tyr (NM_001318827.2); c.3542C>A, p.Ser1181Tyr (NM_001318829.2); c.3155C>A, p.Ser1052Tyr (NM_001318831.2); c.3719C>A, p.Ser1240Tyr (NM_001318832.2); c.3689C>A, p.Ser1230Tyr (NM_001363528.2); c.3755C>A, p.Ser1252Tyr (NM_001370404.1); and 1 more; short protein forms S1296Y, S1052Y, S1230Y, S1253Y, S1193Y, S1181Y, S1229Y, S1240Y.
Identifiers: ClinVar variation 572914 (VCV000572914.8), dbSNP rs1027773484, ClinGen allele CA394296699.